The following is an entry in ClinVar:

NM_012199.5(AGO1):c.2401G>A (p.Ala801Thr)

Gene: AGO1 (argonaute RISC component 1; plus strand). Cytogenetic location: 1p34.3.
Variant type: single nucleotide variant.
Coding change: c.2401G>A on transcript NM_012199.5 (MANE Select); coding-DNA position 2401, G replaced by A.
Protein change: p.Ala801Thr; replaces alanine 801 with threonine.
Molecular consequence: missense variant.
Genome position (GRCh38, 1-based): chr1:35,919,190, G>A. VCF-style: chr1-35919190-G-A. GRCh37 (hg19) VCF-style: chr1-36384791-G-A.
Other names: c.2401G>A, p.Ala801Thr (NM_001317122.2); c.2176G>A, p.Ala726Thr (NM_001317123.2); short protein forms A726T, A801T.
Identifiers: ClinVar variation 4526980 (VCV004526980.1).

ClinVar aggregate classification (germline): Uncertain significance (1 of 4 stars; one submission).

Submission:

GeneDx
Classification: Uncertain significance. Last evaluated: 2025-05-08. Review status: criteria provided, single submitter. Criteria: GeneDx Variant Classification Process June 2021. Collection method: clinical testing. Allele origin: germline. Affected: yes.
Comment: Not observed at significant frequency in large population cohorts (gnomAD); In silico analysis supports that this missense variant has a deleterious effect on protein structure/function; Has not been previously published as pathogenic or benign to our knowledge